The following is an entry in ClinVar:

ClinVar aggregate classification (germline): Conflicting classifications of pathogenicity. Review status: criteria provided, conflicting classifications (1 of 4 stars). 3 submissions from 3 submitters: Uncertain significance (2); Likely benign (1). Last evaluated 2025-11-05.

Conditions:
Intellectual disability, autosomal dominant 14 (CSS2). Also called: COFFIN-SIRIS SYNDROME 2. Identifiers: Orphanet 1465, MedGen C3553247, MONDO:0013819, OMIM 614607.

Submissions (3):

Labcorp Genetics (formerly Invitae), Labcorp
Classification: Uncertain significance. Last evaluated: 2025-11-05. Review status: criteria provided, single submitter. Criteria: Invitae Variant Classification Sherloc (09022015). Collection method: clinical testing. Allele origin: germline.
Comment: This variant, c.516_518del, results in the deletion of 1 amino acid(s) of the ARID1A protein (p.Gln172del), but otherwise preserves the integrity of the reading frame. This variant is not present in population databases (gnomAD no frequency). This variant has not been reported in the literature in individuals affected with ARID1A-related conditions. ClinVar contains an entry for this variant (Variation ID: 1338366). Experimental studies and prediction algorithms are not available or were not evaluated, and the functional significance of this variant is currently unknown. In summary, the available evidence is currently insufficient to determine the role of this variant in disease. Therefore, it has been classified as a Variant of Uncertain Significance.

Genomic Medicine Center of Excellence, King Faisal Specialist Hospital and Research Centre
Classification: Uncertain significance for Intellectual disability, autosomal dominant 14. Last evaluated: 2024-12-19. Review status: criteria provided, single submitter. Criteria: ACMG Guidelines, 2015. Collection method: clinical testing. Allele origin: germline.

Genetic Services Laboratory, University of Chicago
Classification: Likely benign. Last evaluated: 2018-03-29. Review status: criteria provided, single submitter. Criteria: ACMG Guidelines, 2015. Collection method: clinical testing. Allele origin: germline. Affected: no.

NM_006015.6(ARID1A):c.513ACA[1] (p.Gln172del)

Gene: ARID1A (AT-rich interaction domain 1A; plus strand). Cytogenetic location: 1p36.11.
Variant type: Microsatellite.
Coding change: c.513ACA[1] on transcript NM_006015.6 (MANE Select); one copy of the 3-base unit ACA starting at c.513; the reference has two copies in a row; one copy, 3 bases deleted; also written c.516_518del.
Protein change: p.Gln172del; deletes glutamine 172.
Molecular consequence: inframe deletion.
Genome position (GRCh38, 1-based): chr1:26,696,919-26,696,921, ACA deleted; deleting any 3 consecutive bases within chr1:26,696,914-26,696,921 gives the same sequence; the position shown is the placement nearest the transcript's 3' end. VCF-style (leftmost placement, unchanged base first): chr1-26696913-CCAA-C. GRCh37 (hg19) VCF-style: chr1-27023404-CCAA-C.
Other names: c.513ACA[1], p.Gln172del (NM_139135.4); c.516_518del (NM_006015.6); short protein forms Q172del.
Identifiers: ClinVar variation 1338366 (VCV001338366.6), dbSNP rs1557570075, ClinGen allele CA916135818.